The following is an entry in ClinVar:

NM_003070.5(SMARCA2):c.*138C>T

Gene: SMARCA2 (SWI/SNF related BAF chromatin remodeling complex subunit ATPase 2; plus strand). Cytogenetic location: 9p24.3.
Variant type: single nucleotide variant.
Coding change: c.*138C>T on transcript NM_003070.5 (MANE Select); 138 bases downstream of the stop codon, C replaced by T.
Molecular consequence: 3 prime UTR variant.
Genome position (GRCh38, 1-based): chr9:2,192,877, C>T. VCF-style: chr9-2192877-C-T. GRCh37 (hg19) VCF-style: chr9-2192877-C-T.
Other names: c.*138C>T (NM_001289396.2, NM_001289397.2, NM_001289398.2 and 3 more transcripts).
Identifiers: ClinVar variation 366332 (VCV000366332.5), dbSNP rs75720779, ClinGen allele CA10629821.

ClinVar aggregate classification (germline): Benign (1 of 4 stars; one submission).

Conditions:
Nicolaides-Baraitser syndrome (NCBRS). Also called: SMARCA2-Related Nicolaides-Baraitser Syndrome; Intellectual disability-sparse hair-brachydactyly syndrome. Identifiers: Orphanet 3051, MedGen C1303073, MONDO:0011053, OMIM 601358.

Allele frequency attached by ClinVar (database versions not stated): gnomAD 0.00583 and 0.00625; TOPMed 0.00617; 1000 Genomes Project 0.00639; 1000 Genomes Project 30x 0.00687.
gnomAD v4.1: 1,241 of 676,942 alleles (0.18%); highest among the groups gnomAD compares: African/African-American, 2%; 15 homozygotes.

Submission:

Illumina Laboratory Services, Illumina
Classification: Benign for Nicolaides-Baraitser syndrome. Last evaluated: 2018-01-13. Review status: criteria provided, single submitter. Criteria: ICSL Variant Classification Criteria 13 December 2019. Collection method: clinical testing. Allele origin: germline.
Comment: This variant was observed in the ICSL laboratory as part of a predisposition screen in an ostensibly healthy population. It had not been previously curated by ICSL or reported in the Human Gene Mutation Database (HGMD: prior to June 1st, 2018), and was therefore a candidate for classification through an automated scoring system. Utilizing variant allele frequency, disease prevalence and penetrance estimates, and inheritance mode, an automated score was calculated to assess if this variant is too frequent to cause the disease. Based on the score and internal cut-off values, a variant classified as benign is not then subjected to further curation. The score for this variant resulted in a classification of benign for this disease.